The following is an entry in ClinVar:

ClinVar aggregate classification (germline): Pathogenic (1 of 4 stars; one submission).

Submission:

Clinical Genomics Laboratory, Laboratory for Precision Diagnostics, University of Washington
Classification: Pathogenic. Last evaluated: 2019-02-14. Review status: criteria provided, single submitter. Criteria: Clinical Cytogenomics Laboratory Policy on CNV Interpretation. Collection method: clinical testing. Allele origin: unknown. Affected: yes. Observed: 1 variant allele.
Comment: Low penetrance and variable expressivity

Literature cited by the submitters: PubMed 29129316; PubMed 27853923; PubMed 26095975; PubMed 20506139.

GRCh37/hg19 15q13.3(chr15:32064064-32514341)x3

Gene: CHRNA7 (cholinergic receptor nicotinic alpha 7 subunit). Cytogenetic location: 15q13.3.
Variant type: copy number gain.
Change: copy number 3 (three copies instead of two) of chr15:32,064,064-32,514,341 (450.3 kb, GRCh37 coordinates, 1-based), cytogenetic band 15q13.3.
Identifiers: ClinVar variation 929322 (VCV000929322.2).